The following is an entry in ClinVar:

NM_001384732.1(CPLANE1):c.1A>G (p.Met1Val)

Gene: CPLANE1 (ciliogenesis and planar polarity effector complex subunit 1; minus strand). Cytogenetic location: 5p13.2.
Variant type: single nucleotide variant.
Coding change: c.1A>G on transcript NM_001384732.1 (MANE Select); coding-DNA position 1, A replaced by G.
Protein change: p.Met1Val; changes the start codon (methionine 1).
Molecular consequence: missense variant, initiator codon variant.
Genome position (GRCh38, 1-based): chr5:37,247,698, T>C on the plus strand (A>G on the coding strand, the complement: CPLANE1 is on the minus strand). VCF-style: chr5-37247698-T-C. GRCh37 (hg19) VCF-style: chr5-37247800-T-C.
Other names: c.1A>G, p.Met1Val (NM_023073.4); short protein forms M1V.
Identifiers: ClinVar variation 1217532 (VCV001217532.12), dbSNP rs891693382, ClinGen allele CA117070227.
Genomic context (GRCh38, chr5:37,247,698, plus strand): 5'-GTGGCCATGGTTTTTTCTGCTTAATACCTGTTGATGTCAAGATTTCTAATCTTATCTCCA[T>C]GTTTGTTAAGCTATCAATGACCAATTAAGTAAAACAGTCCCAAGATTCTGTAAACAATAA-3'
Protein context (NP_001371661.1, residues 1-11): [Met1Val]EIRLEILTST

ClinVar aggregate classification (germline): Pathogenic/Likely pathogenic. Review status: criteria provided, multiple submitters, no conflicts (2 of 4 stars). 3 submissions from 3 submitters: Pathogenic (1); Likely pathogenic (1). 1 of the submissions does not count toward it. Last evaluated 2026-01-04.

Conditions:
CPLANE1-related disorder. Also called: CPLANE1-related condition.

Allele frequency attached by ClinVar (database versions not stated): gnomAD exomes 0.00003; gnomAD 0.00004; TOPMed 0.00005.

Submissions (3):

GeneDx
Classification: Likely pathogenic. Last evaluated: 2026-01-04. Review status: criteria provided, single submitter. Criteria: GeneDx Variant Classification Process June 2021. Collection method: clinical testing. Allele origin: germline. Affected: yes.
Comment: Not observed at significant frequency in large population cohorts (gnomAD); Has not been previously published as pathogenic or benign to our knowledge; Initiation codon variant predicted to critically alter the protein

Labcorp Genetics (formerly Invitae), Labcorp
Classification: Pathogenic. Last evaluated: 2022-10-17. Review status: criteria provided, single submitter. Criteria: Invitae Variant Classification Sherloc (09022015). Collection method: clinical testing. Allele origin: germline.
Comment: This variant is present in population databases (no rsID available, gnomAD 0.004%). This sequence change affects the initiator methionine of the CPLANE1 mRNA. The next in-frame methionine is located at codon 107. This variant has not been reported in the literature in individuals affected with CPLANE1-related conditions. For these reasons, this variant has been classified as Pathogenic. This variant disrupts a region of the CPLANE1 protein in which other variant(s) (p.Gly78Val) have been determined to be pathogenic (Invitae). This suggests that this is a clinically significant region of the protein, and that variants that disrupt it are likely to be disease-causing. ClinVar contains an entry for this variant (Variation ID: 1217532).

PreventionGenetics, part of Exact Sciences
Classification: Likely pathogenic for CPLANE1-related condition. Last evaluated: 2024-01-08. Review status: no assertion criteria provided. Collection method: clinical testing. Allele origin: germline. Not counted in ClinVar's aggregate classification.
Comment: The CPLANE1 c.1A>G variant is predicted to disrupt the translation initiation site (Start loss). It is predicted to result in a loss of the start methionine. To our knowledge, this variant has not been reported in the literature. This variant is reported in 0.0065% of alleles in individuals of European (Non-Finnish) descent in gnomAD. This variant is interpreted as likely pathogenic.